The following is an entry in ClinVar:

NM_000540.3(RYR1):c.3460C>T (p.Leu1154Phe)

Gene: RYR1 (ryanodine receptor 1; plus strand). Cytogenetic location: 19q13.2.
Variant type: single nucleotide variant.
Coding change: c.3460C>T on transcript NM_000540.3 (MANE Select); coding-DNA position 3460, C replaced by T.
Protein change: p.Leu1154Phe; replaces leucine 1154 with phenylalanine.
Molecular consequence: missense variant.
Genome position (GRCh38, 1-based): chr19:38,469,044, C>T. VCF-style: chr19-38469044-C-T. GRCh37 (hg19) VCF-style: chr19-38959684-C-T.
Other names: c.3460C>T, p.Leu1154Phe (NM_001042723.2); short protein forms L1154F.
Identifiers: ClinVar variation 3073844 (VCV003073844.1), dbSNP rs780626994, ClinGen allele CA064914.

ClinVar aggregate classification (germline): Uncertain significance (1 of 4 stars; one submission).

Conditions:
Malignant hyperthermia, susceptibility to, 1 (MHS1). Also called: Anesthesia related hyperthermia; Malignant hyperpyrexia; Fulminating hyperpyrexia; Pharmacogenic myopathy; RYR1-Related Malignant Hyperthermia Susceptibility; Malignant hyperthermia suceptibility 1. Identifiers: Orphanet 423, MedGen C2930980, MONDO:0007783, OMIM 145600.

Allele frequency attached by ClinVar (database versions not stated): gnomAD exomes below 0.00001; ExAC 0.00001.
gnomAD v4.1: 1 of 1,614,192 alleles (0.000062%); highest among the groups gnomAD compares: South Asian, 0.0011%; no homozygotes.

Submission:

All of Us Research Program, National Institutes of Health
Classification: Uncertain significance for Malignant hyperthermia, susceptibility to, 1. Last evaluated: 2023-10-06. Review status: criteria provided, single submitter. Criteria: ACMG Guidelines, 2015. Collection method: clinical testing. Allele origin: germline. Inheritance: Autosomal dominant inheritance. Observed: 1 variant allele, 1 heterozygote.
Comment: This missense variant replaces leucine with phenylalanine at codon 1154 of the RYR1 protein. Computational prediction is inconclusive regarding the impact of this variant on protein structure and function (internally defined REVEL score threshold 0.5 < inconclusive < 0.7, PMID: 27666373). To our knowledge, functional studies have not been reported for this variant. This variant has not been reported in individuals affected with RYR1-related disorders in the literature. This variant has been identified in 1/251490 chromosomes in the general population by the Genome Aggregation Database (gnomAD). The available evidence is insufficient to determine the role of this variant in disease conclusively. Therefore, this variant is classified as a Variant of Uncertain Significance.

This study involves interpretation of variants in research participants for the purpose of population health screening. Participant phenotype was not available at the time of variant classification. Additional details can be found in publication PMID: 35346344, PMCID: PMC8962531